The following is an entry in ClinVar:

ClinVar aggregate classification (germline): Benign. Review status: criteria provided, multiple submitters, no conflicts (2 of 4 stars). 4 submissions from 3 submitters: Benign (4). Last evaluated 2018-01-13.

Conditions:
Brugada syndrome 5 (BRGDA5). Identifiers: Orphanet 130, Orphanet 871, MedGen C2748541, MONDO:0013015, OMIM 612838.
Generalized epilepsy with febrile seizures plus, type 1 (GEFSP1). Also called: GEFS+, TYPE 1. Identifiers: Orphanet 36387, MedGen C1858672, MONDO:0011416, OMIM 604233.

Allele frequency attached by ClinVar (database versions not stated): 1000 Genomes Project 0.03834; 1000 Genomes Project 30x 0.03935; TOPMed 0.05316; gnomAD 0.05977 and 0.05987.
gnomAD v4.1: 101,740 of 1,420,266 alleles (7.2%); highest among the groups gnomAD compares: South Asian, 8%; 4,338 homozygotes.

Submissions (6):

Illumina Laboratory Services, Illumina
Classification: Benign for Generalized epilepsy with febrile seizures plus, type 1. Last evaluated: 2018-01-13. Review status: criteria provided, single submitter. Criteria: ICSL Variant Classification Criteria 13 December 2019. Collection method: clinical testing. Allele origin: germline.
Comment: This variant was observed in the ICSL laboratory as part of a predisposition screen in an ostensibly healthy population. It had not been previously curated by ICSL or reported in the Human Gene Mutation Database (HGMD: prior to June 1st, 2018), and was therefore a candidate for classification through an automated scoring system. Utilizing variant allele frequency, disease prevalence and penetrance estimates, and inheritance mode, an automated score was calculated to assess if this variant is too frequent to cause the disease. Based on the score and internal cut-off values, a variant classified as benign is not then subjected to further curation. The score for this variant resulted in a classification of benign for this disease.

Illumina Laboratory Services, Illumina
Classification: Benign for Brugada syndrome 5. Last evaluated: 2018-01-13. Review status: criteria provided, single submitter. Criteria: ICSL Variant Classification Criteria 13 December 2019. Collection method: clinical testing. Allele origin: germline.
Comment: the same text as in the submission from Illumina Laboratory Services, Illumina above.

GeneDx
Classification: Benign. Last evaluated: 2015-03-03. Review status: criteria provided, single submitter. Criteria: GeneDx Variant Classification Process June 2021. Collection method: clinical testing. Allele origin: germline. Affected: yes.

Breakthrough Genomics
Classification: Benign. Review status: criteria provided, single submitter. Criteria: ACMG Guidelines, 2015. Collection method: not provided. Allele origin: germline. Inheritance: Autosomal recessive inheritance. Affected: yes.

Dr. Peter K. Rogan Lab, Western University
No classification provided (evidence only). Condition: Gastric cancer. Review status: no classification provided. Collection method: in vitro. Allele origin: not applicable. Functional consequence: retained intron. Not counted in ClinVar's aggregate classification.

Dr. Peter K. Rogan Lab, Western University
No classification provided (evidence only). Condition: Gastric cancer. Review status: no classification provided. Collection method: in vitro. Allele origin: not applicable. Functional consequence: retained intron. Not counted in ClinVar's aggregate classification.

NM_001037.5(SCN1B):c.*6-11C>G

Gene: SCN1B (sodium voltage-gated channel beta subunit 1; plus strand). Cytogenetic location: 19q13.11.
Variant type: single nucleotide variant.
Coding change: c.*6-11C>G on transcript NM_001037.5 (MANE Select); 11 bases into the intron before 6 bases downstream of the stop codon, C replaced by G.
Molecular consequence: intron variant.
Genome position (GRCh38, 1-based): chr19:35,039,786, C>G. VCF-style: chr19-35039786-C-G. GRCh37 (hg19) VCF-style: chr19-35530690-C-G.
Other names: NC_000019.9:g.35530690C>G; c.*6-11C>G (NM_001321605.2).
Identifiers: ClinVar variation 891555 (VCV000891555.8), dbSNP rs28365105, ClinGen allele CA14641506.
Genomic context (GRCh38, chr19:35,039,786, plus strand): 5'-AGAGGGGAAGGGGATTGGGAGGGGCCGAAGTCCCCCAGGTCCCTAATTCCCCCTCTCTTG[C>G]TCCCCTTCAGGCCCTGGGCCCCGCCTCAAGGAAGAGCCAGCCGTAATGGGGACTCTCCAG-3'